The following is an entry in ClinVar:

ClinVar aggregate classification (germline): Likely pathogenic (1 of 4 stars; one submission).

Conditions:
Klippel-Feil anomaly-myopathy-facial dysmorphism syndrome. Also called: Klippel-feil syndrome 4, autosomal recessive, with nemaline myopathy and facial dysmorphism; Klippel-Feil syndrome 4, autosomal recessive, with myopathy and facial dysmorphism. Identifiers: Orphanet 447974, MedGen C4225285, MONDO:0014689, OMIM 616549.

Submission:

Dasa
Classification: Likely pathogenic for Klippel-Feil anomaly-myopathy-facial dysmorphism syndrome. Last evaluated: 2025-09-03. Review status: criteria provided, single submitter. Criteria: DASA Assertion Criteria. Collection method: clinical testing. Allele origin: germline.
Comment: NM_032608.7(MYO18B):c.400del (p.Ser134Valfs*15) is a frameshift variant in MYO18B predicted to alter the reading frame and introduce a premature termination codon and is predicted to result in an absent or altered protein product. Loss of function is an established disease mechanism for MYO18B-associated disorders. Also, this variant is absent from population databases. Based on the currently available evidence, this variant is classified as likely pathogenic.

NM_032608.7(MYO18B):c.400del (p.Ser134fs)

Gene: MYO18B (myosin XVIIIB; plus strand). Cytogenetic location: 22q12.1.
Variant type: Deletion.
Coding change: c.400del on transcript NM_032608.7 (MANE Select); coding-DNA position 400, one base deleted (A; older notation c.400delA).
Protein change: p.Ser134fs; shifts the reading frame from serine 134.
Molecular consequence: frameshift variant.
Genome position (GRCh38, 1-based): chr22:25,768,316, A deleted. VCF-style (leftmost placement, unchanged base first): chr22-25768315-CA-C. GRCh37 (hg19) VCF-style: chr22-26164282-CA-C.
Other names: c.400del, p.Ser134fs (NM_001318245.2); short protein forms S134fs.
Identifiers: ClinVar variation 4880667 (VCV004880667.2).